The following is an entry in ClinVar:

ClinVar aggregate classification (germline): Likely benign (1 of 4 stars; one submission).

Submission:

Mayo Clinic Laboratories, Mayo Clinic
Classification: Likely benign. Last evaluated: 2024-12-19. Review status: criteria provided, single submitter. Criteria: ACMG Guidelines, 2015. Collection method: clinical testing. Allele origin: germline. Observed: 3 variant alleles.
Comment: BP4, BP7

NM_000214.3(JAG1):c.387+27G>T

Gene: JAG1 (jagged canonical Notch ligand 1; minus strand). Cytogenetic location: 20p12.2.
Variant type: single nucleotide variant.
Coding change: c.387+27G>T on transcript NM_000214.3 (MANE Select); 27 bases into the intron after coding-DNA position 387, G replaced by T.
Molecular consequence: intron variant.
Genome position (GRCh38, 1-based): chr20:10,672,674, C>A on the plus strand (G>T on the coding strand, the complement: JAG1 is on the minus strand). VCF-style: chr20-10672674-C-A. GRCh37 (hg19) VCF-style: chr20-10653322-C-A.
Other names: p.?.
Identifiers: ClinVar variation 4684412 (VCV004684412.1).